The following is an entry in ClinVar:

ClinVar aggregate classification (germline): Uncertain significance (1 of 4 stars; one submission).

Conditions:
Dilated cardiomyopathy 1O (CMD1O). Also called: CARDIOMYOPATHY, DILATED, WITH VENTRICULAR TACHYCARDIA. Identifiers: Orphanet 154, MedGen C1837839, MONDO:0012062, OMIM 608569.

Submission:

Labcorp Genetics (formerly Invitae), Labcorp
Classification: Uncertain significance for Dilated cardiomyopathy 1O. Last evaluated: 2020-02-18. Review status: criteria provided, single submitter. Criteria: Invitae Variant Classification Sherloc (09022015). Collection method: clinical testing. Allele origin: germline.
Comment: This sequence change falls in intron 29 of the ABCC9 gene. It does not directly change the encoded amino acid sequence of the ABCC9 protein, but it affects a nucleotide within the consensus splice site of the intron. This variant is not present in population databases (ExAC no frequency). This variant has not been reported in the literature in individuals with ABCC9-related conditions. Nucleotide substitutions within the consensus splice site are a relatively common cause of aberrant splicing (PMID: 17576681, 9536098). Algorithms developed to predict the effect of sequence changes on RNA splicing suggest that this variant may disrupt the consensus splice site, but this prediction has not been confirmed by published transcriptional studies. In summary, the available evidence is currently insufficient to determine the role of this variant in disease. Therefore, it has been classified as a Variant of Uncertain Significance.

Literature cited by the submitters: PubMed 17576681; PubMed 9536098.

NM_020297.4(ABCC9):c.3669+5G>C

Genes: ABCC9 (ATP binding cassette subfamily C member 9; minus strand), KCNJ8-AS1 (KCNJ8 antisense RNA 1; plus strand). Cytogenetic location: 12p12.1.
Variant type: single nucleotide variant.
Coding change: c.3669+5G>C on transcript NM_020297.4 (MANE Select); 5 bases into the intron after coding-DNA position 3669, G replaced by C.
Molecular consequence: intron variant.
Genome position (GRCh38, 1-based): chr12:21,828,953, C>G on the plus strand (G>C on the coding strand, the complement: ABCC9 is on the minus strand). VCF-style: chr12-21828953-C-G. GRCh37 (hg19) VCF-style: chr12-21981887-C-G.
Other names: c.2802+5G>C (NM_001377274.1); c.3669+5G>C (NM_005691.4, NM_001377273.1).
Identifiers: ClinVar variation 1015006 (VCV001015006.7), dbSNP rs754952366, ClinGen allele CA2021295892.
Genomic context (GRCh38, chr12:21,828,953, plus strand): 5'-CTGCCTCTTTGCAGCAGGCGTCTTCTCTATTTGGTTTCCATTTCGAAATCATGAAATGAA[C>G]GTACCGTCCTGACCTCCAGCCATCTGTTGGCAGCTGAGAGAAATAAGTAGGCAATGTTGT-3'